The following is an entry in ClinVar:

ClinVar aggregate classification (germline): Conflicting classifications of pathogenicity. Review status: criteria provided, conflicting classifications (1 of 4 stars). 14 submissions from 14 submitters: Uncertain significance (12); Likely benign (1). 1 of the submissions does not count toward it. Last evaluated 2026-09-01.

Conditions:
Intrauterine growth retardation, metaphyseal dysplasia, adrenal hypoplasia congenita, genital anomalies, and immunodeficiency. Also called: IMAGEI SYNDROME. Identifiers: MedGen C5193036, MONDO:0032684, OMIM 618336.
Facial dysmorphism-immunodeficiency-livedo-short stature syndrome. Also called: FILS syndrome; Facial dysmorphism, immunodeficiency, livedo, and short stature. Identifiers: Orphanet 352712, MedGen C3554576, MONDO:0014058, OMIM 615139.
Colorectal cancer, susceptibility to, 12 (CRCS12). Also called: COLORECTAL CANCER, SUSCEPTIBILITY TO, ON CHROMOSOME 12q24. Identifiers: Orphanet 220460, MedGen C3554460, MONDO:0014038, OMIM 615083.
POLE-related disorder. Also called: POLE-related condition; POLE-related disorders.
Hereditary cancer-predisposing syndrome. Also called: Hereditary neoplastic syndrome; Hereditary Cancer Syndrome; Neoplastic Syndromes, Hereditary; Tumor predisposition. Identifiers: Orphanet 140162, MedGen C0027672, MeSH D009386, MONDO:0015356.

Allele frequency attached by ClinVar (database versions not stated): ExAC 0.00007; gnomAD exomes 0.00008 and 0.00010; TOPMed 0.00009; gnomAD 0.00012 and 0.00014.
gnomAD v4.1: 131 of 1,614,038 alleles (0.0081%); highest among the groups gnomAD compares: Non-Finnish European, 0.01%; no homozygotes.

Submissions (14):

CeGaT Center for Human Genetics Tuebingen
Classification: Uncertain significance. Last evaluated: 2026-09-01. Review status: criteria provided, single submitter. Criteria: CeGaT Center For Human Genetics Tuebingen Variant Classification Criteria Version 2. Collection method: clinical testing. Allele origin: germline. Affected: yes. Observed: 1 variant allele.

Labcorp Genetics (formerly Invitae), Labcorp
Classification: Uncertain significance. Last evaluated: 2026-01-20. Review status: criteria provided, single submitter. Criteria: Invitae Variant Classification Sherloc (09022015). Collection method: clinical testing. Allele origin: germline.
Comment: This sequence change replaces threonine, which is neutral and polar, with methionine, which is neutral and non-polar, at codon 528 of the POLE protein (p.Thr528Met). This variant is present in population databases (rs116263919, gnomAD 0.02%). This missense change has been observed in individual(s) with personal and family history of cancer (PMID: 35534704). ClinVar contains an entry for this variant (Variation ID: 240397). Invitae Evidence Modeling of protein sequence and biophysical properties (such as structural, functional, and spatial information, amino acid conservation, physicochemical variation, residue mobility, and thermodynamic stability) indicates that this missense variant is expected to disrupt POLE protein function with a positive predictive value of 80%. In summary, the available evidence is currently insufficient to determine the role of this variant in disease. Therefore, it has been classified as a Variant of Uncertain Significance.

Ambry Genetics
Classification: Uncertain significance for Hereditary cancer-predisposing syndrome. Last evaluated: 2026-01-07. Review status: criteria provided, single submitter. Criteria: Ambry Variant Classification Scheme 2023. Collection method: clinical testing. Allele origin: germline.
Comment: The p.T528M variant (also known as c.1583C>T), located in coding exon 15 of the POLE gene, results from a C to T substitution at nucleotide position 1583. The threonine at codon 528 is replaced by methionine, an amino acid with similar properties. This amino acid position is highly conserved in available vertebrate species. In addition, the in silico prediction for this alteration is inconclusive. Based on the available evidence, the clinical significance of this variant remains unclear.

Dasa
Classification: Uncertain significance. Last evaluated: 2026-01-05. Review status: criteria provided, single submitter. Criteria: DASA Assertion Criteria. Collection method: clinical testing. Allele origin: germline.
Comment: NM_006231.4(POLE):c.1583C>T (p.Thr528Met) is a missense variant that results in the substitution of threonine with methionine. This variant is rare in population databases. The currently available literature and clinical evidence are not sufficient to establish a definitive association between this variant and the reported condition. Therefore, this variant is classified as a variant of uncertain significance.

Center for Genomic Medicine, Rigshospitalet, Copenhagen University Hospital
Classification: Uncertain significance. Last evaluated: 2025-12-29. Review status: criteria provided, single submitter. Criteria: ACMG Guidelines, 2015. Collection method: clinical testing. Allele origin: germline.

GeneDx
Classification: Uncertain significance. Last evaluated: 2024-12-16. Review status: criteria provided, single submitter. Criteria: GeneDx Variant Classification Process June 2021. Collection method: clinical testing. Allele origin: germline. Affected: yes.
Comment: In silico analysis supports that this missense variant has a deleterious effect on protein structure/function; This variant is associated with the following publications: (PMID: 29338689, 35534704, 38773787)

Fulgent Genetics
Classification: Uncertain significance for Colorectal cancer, susceptibility to, 12; Facial dysmorphism-immunodeficiency-livedo-short stature syndrome; Intrauterine growth retardation, metaphyseal dysplasia, adrenal hypoplasia congenita, genital anomalies, and immunodeficiency. Last evaluated: 2024-05-09. Review status: criteria provided, single submitter. Criteria: ACMG Guidelines, 2015. Collection method: clinical testing. Allele origin: germline.

Sema4
Classification: Likely benign for Hereditary cancer-predisposing syndrome. Last evaluated: 2021-07-19. Review status: criteria provided, single submitter. Criteria: Sema4 Curation Guidelines. Collection method: curation. Allele origin: germline.

Department of Pathology and Laboratory Medicine, Sinai Health System
Classification: Uncertain significance for Colorectal cancer, susceptibility to, 12; Facial dysmorphism-immunodeficiency-livedo-short stature syndrome; Intrauterine growth retardation, metaphyseal dysplasia, adrenal hypoplasia congenita, genital anomalies, and immunodeficiency. Last evaluated: 2020-12-02. Review status: criteria provided, single submitter. Criteria: ACMG Guidelines, 2015. Collection method: clinical testing. Allele origin: germline. Affected: yes.

Genetic Services Laboratory, University of Chicago
Classification: Uncertain significance. Last evaluated: 2019-11-25. Review status: criteria provided, single submitter. Criteria: ACMG Guidelines, 2015. Collection method: clinical testing. Allele origin: germline. Affected: no.

ARUP Laboratories, Molecular Genetics and Genomics, ARUP Laboratories
Classification: Uncertain significance. Last evaluated: 2019-09-28. Review status: criteria provided, single submitter. Criteria: ARUP Molecular Germline Variant Investigation Process. Collection method: clinical testing. Allele origin: germline.
Comment: The POLE c.1583C>T; p.Thr528Met variant (rs116263919), to our knowledge, is not reported in the medical literature but is reported in ClinVar (Variation ID: 240397). This variant is found in the general population with an overall allele frequency of 0.01% (34/282088 alleles) in the Genome Aggregation Database. The threonine at codon 528 is moderately conserved, and computational analyses (SIFT, PolyPhen-2) predict that this variant is deleterious. Due to limited information, the clinical significance of this variant is uncertain at this time.

Laboratory for Molecular Medicine, Mass General Brigham Personalized Medicine
Classification: Uncertain significance. Last evaluated: 2018-12-04. Review status: criteria provided, single submitter. Criteria: LMM Criteria. Collection method: clinical testing. Allele origin: germline. Observed: 1 variant allele.
Comment: The p.Thr528Met variant in POLE has not been previously reported in individuals with colorectal cancer but has been identified in 0.02% (30/128702) of European chromosomes by gnomAD. This variant has also been reported as a variant of uncertain significance in ClinVar (Variation ID 24 0397). Computational prediction tools and conservation analysis suggest that thi s variant may impact the protein, though this information is not predictive enou gh to determine pathogenicity. In summary, the clinical significance of the p.Th r528Met variant is uncertain. ACMG/AMP Criteria applied: PP3.

Quest Diagnostics Nichols Institute San Juan Capistrano
Classification: Uncertain significance. Last evaluated: 2016-11-17. Review status: criteria provided, single submitter. Criteria: Quest Diagnostics criteria. Collection method: clinical testing. Allele origin: germline.

PreventionGenetics, part of Exact Sciences
Classification: Uncertain significance for POLE-related condition. Last evaluated: 2024-03-14. Review status: no assertion criteria provided. Collection method: clinical testing. Allele origin: germline. Not counted in ClinVar's aggregate classification.
Comment: The POLE c.1583C>T variant is predicted to result in the amino acid substitution p.Thr528Met. This variant was reported in an individual with breast cancer (Park. 2018. PubMed ID: 29338689). This variant is reported in 0.023% of alleles in individuals of European (Non-Finnish) descent in gnomAD and is interpreted as uncertain in ClinVar by the majority of submitters. At this time, the clinical significance of this variant is uncertain due to the absence of conclusive functional and genetic evidence.

Literature cited by the submitters: PubMed 35534704 (cited by Labcorp Genetics (formerly Invitae), Labcorp); PubMed 29338689 (cited by Laboratory for Molecular Medicine, Mass General Brigham Personalized Medicine).

NM_006231.4(POLE):c.1583C>T (p.Thr528Met)

Gene: POLE (DNA polymerase epsilon, catalytic subunit; minus strand). Cytogenetic location: 12q24.33.
Variant type: single nucleotide variant.
Coding change: c.1583C>T on transcript NM_006231.4 (MANE Select); coding-DNA position 1583, C replaced by T.
Protein change: p.Thr528Met; replaces threonine 528 with methionine.
Molecular consequence: missense variant.
Genome position (GRCh38, 1-based): chr12:132,672,730, G>A on the plus strand (C>T on the coding strand, the complement: POLE is on the minus strand). VCF-style: chr12-132672730-G-A. GRCh37 (hg19) VCF-style: chr12-133249316-G-A.
Other names: short protein forms T528M.
Identifiers: ClinVar variation 240397 (VCV000240397.45), dbSNP rs116263919, ClinGen allele CA6893908.